The following is an entry in ClinVar:

NM_001267550.2(TTN):c.75263G>C (p.Gly25088Ala)

Genes: TTN (titin; minus strand), TTN-AS1 (TTN antisense RNA 1; plus strand). Cytogenetic location: 2q31.2.
Variant type: single nucleotide variant.
Coding change: c.75263G>C on transcript NM_001267550.2 (MANE Select); coding-DNA position 75263, G replaced by C.
Protein change: p.Gly25088Ala; replaces glycine 25088 with alanine.
Molecular consequence: missense variant.
Genome position (GRCh38, 1-based): chr2:178,570,869, C>G on the plus strand (G>C on the coding strand, the complement: TTN is on the minus strand). VCF-style: chr2-178570869-C-G. GRCh37 (hg19) VCF-style: chr2-179435596-C-G.
Other names: c.70340G>C, p.Gly23447Ala (NM_001256850.1); c.48068G>C, p.Gly16023Ala (NM_003319.4); c.67559G>C, p.Gly22520Ala (NM_133378.4); c.48443G>C, p.Gly16148Ala (NM_133432.3); c.48644G>C, p.Gly16215Ala (NM_133437.4); short protein forms G16023A, G16148A, G16215A, G22520A, G23447A, G25088A.
Identifiers: ClinVar variation 3764119 (VCV003764119.1).

ClinVar aggregate classification (germline): Uncertain significance (1 of 4 stars; one submission).

Submission:

GeneDx
Classification: Uncertain significance. Last evaluated: 2024-08-22. Review status: criteria provided, single submitter. Criteria: GeneDx Variant Classification Process June 2021. Collection method: clinical testing. Allele origin: germline. Affected: yes.
Comment: Not observed at significant frequency in large population cohorts (gnomAD); Missense variant in a gene in which most reported pathogenic variants are truncating/loss of function; Has not been previously published as pathogenic or benign to our knowledge